The following is an entry in ClinVar:

ClinVar aggregate classification (germline): Uncertain significance (1 of 4 stars; one submission).

Conditions:
Xeroderma pigmentosum, group F (XPF). Also called: XERODERMA PIGMENTOSUM VI; XP, GROUP F; XERODERMA PIGMENTOSUM, COMPLEMENTATION GROUP F; ERCC4-Related Xeroderma Pigmentosum; XERODERMA PIGMENTOSUM, TYPE F; Xeroderma pigmentosum, type 6. Identifiers: MedGen C0268140, MONDO:0010215, OMIM 278760.
Cockayne syndrome. Identifiers: Orphanet 191, MedGen C0009207, MONDO:0016006.
Fanconi anemia complementation group Q. Identifiers: Orphanet 84, MedGen C3808988, MONDO:0014108, OMIM 615272.

Allele frequency attached by ClinVar (database versions not stated): gnomAD exomes below 0.00001; TOPMed below 0.00001; gnomAD 0.00001.
gnomAD v4.1: 5 of 1,578,774 alleles (0.00032%); highest among the groups gnomAD compares: Non-Finnish European, 0.00026%; no homozygotes.

Submission:

Labcorp Genetics (formerly Invitae), Labcorp
Classification: Uncertain significance for Fanconi anemia complementation group Q; Xeroderma pigmentosum, group F; Cockayne syndrome. Last evaluated: 2022-04-18. Review status: criteria provided, single submitter. Criteria: Invitae Variant Classification Sherloc (09022015). Collection method: clinical testing. Allele origin: germline.
Comment: In summary, the available evidence is currently insufficient to determine the role of this variant in disease. Therefore, it has been classified as a Variant of Uncertain Significance. Algorithms developed to predict the effect of missense changes on protein structure and function (SIFT, PolyPhen-2, Align-GVGD) all suggest that this variant is likely to be tolerated. This variant has not been reported in the literature in individuals affected with ERCC4-related conditions. This variant is not present in population databases (gnomAD no frequency). This sequence change replaces alanine, which is neutral and non-polar, with threonine, which is neutral and polar, at codon 67 of the ERCC4 protein (p.Ala67Thr).

NM_005236.3(ERCC4):c.199G>A (p.Ala67Thr)

Gene: ERCC4 (ERCC excision repair 4, endonuclease catalytic subunit; plus strand). Cytogenetic location: 16p13.12.
Variant type: single nucleotide variant.
Coding change: c.199G>A on transcript NM_005236.3 (MANE Select); coding-DNA position 199, G replaced by A.
Protein change: p.Ala67Thr; replaces alanine 67 with threonine.
Molecular consequence: missense variant.
Genome position (GRCh38, 1-based): chr16:13,920,364, G>A. VCF-style: chr16-13920364-G-A. GRCh37 (hg19) VCF-style: chr16-14014221-G-A.
Other names: short protein forms A67T.
Identifiers: ClinVar variation 2174536 (VCV002174536.4), dbSNP rs2031946664, ClinGen allele CA394816620.